The following is an entry in ClinVar:

ClinVar aggregate classification (germline): Uncertain significance (1 of 4 stars; one submission).

Conditions:
Cardiomyopathy (CMYO). Also called: Cardiomyopathies. Identifiers: Orphanet 167848, MedGen C0878544, MONDO:0004994, HP:0001638. Inheritance: Various modes of inheritance.

gnomAD v4.1: 1 of 1,611,474 alleles (0.000062%); highest among the groups gnomAD compares: East Asian, 0.0022%; no homozygotes.

Submission:

Color Diagnostics, LLC DBA Color Health
Classification: Uncertain significance for Cardiomyopathy. Last evaluated: 2024-10-20. Review status: criteria provided, single submitter. Criteria: ACMG Guidelines, 2015. Collection method: clinical testing. Allele origin: germline.
Comment: This missense variant replaces asparagine with serine at codon 1023 of the MYBPC3 protein. Computational prediction suggests that this variant may not impact protein structure and function (internally defined REVEL score threshold <= 0.5, PMID: 27666373). To our knowledge, functional studies have not been reported for this variant. This variant has not been reported in individuals affected with MYBPC3-related disorders in the literature. This variant has not been identified in the general population by the Genome Aggregation Database (gnomAD). The available evidence is insufficient to determine the role of this variant in disease conclusively. Therefore, this variant is classified as a Variant of Uncertain Significance.

NM_000256.3(MYBPC3):c.3068A>G (p.Asn1023Ser)

Gene: MYBPC3 (myosin binding protein C3; minus strand). Cytogenetic location: 11p11.2.
Variant type: single nucleotide variant.
Coding change: c.3068A>G on transcript NM_000256.3 (MANE Select); coding-DNA position 3068, A replaced by G.
Protein change: p.Asn1023Ser; replaces asparagine 1023 with serine.
Molecular consequence: missense variant.
Genome position (GRCh38, 1-based): chr11:47,333,679, T>C on the plus strand (A>G on the coding strand, the complement: MYBPC3 is on the minus strand). VCF-style: chr11-47333679-T-C. GRCh37 (hg19) VCF-style: chr11-47355230-T-C.
Other names: short protein forms N1023S.
Identifiers: ClinVar variation 3894052 (VCV003894052.1).
Genomic context (GRCh38, chr11:47,333,679, plus strand): 5'-TAAGTGCCTGAATGCACGCGGCGAGCGGCCCGGATGAACAGGATGGTGTCTGTGGGGCTG[T>C]TGCGGATGCTCACCTCCTCGCCTGCCAGGGGCTGCCCCTCTTTGGTCCAGGTCACCTGAG-3'
Protein context (NP_000247.2, residues 1013-1033): PLAGEEVSIR[Asn1023Ser]SPTDTILFIR